The following is an entry in ClinVar:

NM_000836.4(GRIN2D):c.3251G>T (p.Gly1084Val)

Gene: GRIN2D (glutamate ionotropic receptor NMDA type subunit 2D; plus strand). Cytogenetic location: 19q13.33.
Variant type: single nucleotide variant.
Coding change: c.3251G>T on transcript NM_000836.4 (MANE Select); coding-DNA position 3251, G replaced by T.
Protein change: p.Gly1084Val; replaces glycine 1084 with valine.
Molecular consequence: missense variant.
Genome position (GRCh38, 1-based): chr19:48,443,177, G>T. VCF-style: chr19-48443177-G-T. GRCh37 (hg19) VCF-style: chr19-48946434-G-T.
Other names: short protein forms G1084V.
Identifiers: ClinVar variation 2987700 (VCV002987700.3), dbSNP rs928984311, ClinGen allele CA406675224.

ClinVar aggregate classification (germline): Uncertain significance (1 of 4 stars; one submission).

gnomAD v4.1: 6 of 1,069,342 alleles (0.00056%); highest among the groups gnomAD compares: South Asian, 0.017%; no homozygotes.

Submission:

Labcorp Genetics (formerly Invitae), Labcorp
Classification: Uncertain significance. Last evaluated: 2023-11-20. Review status: criteria provided, single submitter. Criteria: Invitae Variant Classification Sherloc (09022015). Collection method: clinical testing. Allele origin: germline.
Comment: This sequence change replaces glycine, which is neutral and non-polar, with valine, which is neutral and non-polar, at codon 1084 of the GRIN2D protein (p.Gly1084Val). The frequency data for this variant in the population databases is considered unreliable, as metrics indicate insufficient coverage at this position in the gnomAD database. This variant has not been reported in the literature in individuals affected with GRIN2D-related conditions. Advanced modeling of protein sequence and biophysical properties (such as structural, functional, and spatial information, amino acid conservation, physicochemical variation, residue mobility, and thermodynamic stability) performed at Invitae indicates that this missense variant is not expected to disrupt GRIN2D protein function with a negative predictive value of 95%. In summary, the available evidence is currently insufficient to determine the role of this variant in disease. Therefore, it has been classified as a Variant of Uncertain Significance.